The following is an entry in ClinVar:

NM_004168.4(SDHA):c.1716dup (p.Leu573fs)

Gene: SDHA (succinate dehydrogenase complex flavoprotein subunit A; plus strand). Cytogenetic location: 5p15.33.
Variant type: Duplication.
Coding change: c.1716dup on transcript NM_004168.4 (MANE Select); coding-DNA position 1716, one base duplicated (G; older notation c.1716dupG).
Protein change: p.Leu573fs; shifts the reading frame from leucine 573.
Molecular consequence: frameshift variant. On other transcripts: intron variant (1).
Genome position (GRCh38, 1-based): chr5:251,390, G duplicated. VCF-style (leftmost placement, unchanged base first): chr5-251389-T-TG. GRCh37 (hg19) VCF-style: chr5-251504-T-TG.
Other names: c.1572dup, p.Leu525fs (NM_001294332.2); c.1552-3003dup (NM_001330758.2); short protein forms L525fs, L573fs.
Identifiers: ClinVar variation 1778633 (VCV001778633.7), dbSNP rs2477458208, ClinGen allele CA2580073125.

ClinVar aggregate classification (germline): Pathogenic. Review status: criteria provided, multiple submitters, no conflicts (2 of 4 stars). 2 submissions from 2 submitters: Pathogenic (2). Last evaluated 2021-12-23.

Conditions:
Mitochondrial complex II deficiency, nuclear type 1. Also called: SUCCINATE CoQ REDUCTASE DEFICIENCY. Identifiers: Orphanet 3208, MedGen C5700310, MONDO:0100294, OMIM 252011.
Pheochromocytoma/paraganglioma syndrome 5. Also called: Paragangliomas 5; SDHA-Related Hereditary Paraganglioma-Pheochromocytoma Syndrome. Identifiers: Orphanet 29072, MedGen C3279992, MONDO:0013602, OMIM 614165.
Hereditary cancer-predisposing syndrome. Also called: Tumor predisposition; Hereditary Cancer Syndrome; Hereditary neoplastic syndrome; Neoplastic Syndromes, Hereditary. Identifiers: Orphanet 140162, MedGen C0027672, MeSH D009386, MONDO:0015356.

Submissions (2):

Labcorp Genetics (formerly Invitae), Labcorp
Classification: Pathogenic for Pheochromocytoma/paraganglioma syndrome 5; Mitochondrial complex II deficiency, nuclear type 1. Last evaluated: 2021-12-23. Review status: criteria provided, single submitter. Criteria: Invitae Variant Classification Sherloc (09022015). Collection method: clinical testing. Allele origin: germline.
Comment: This variant is not present in population databases (gnomAD no frequency). This sequence change creates a premature translational stop signal (p.Leu573Alafs*30) in the SDHA gene. It is expected to result in an absent or disrupted protein product. Loss-of-function variants in SDHA are known to be pathogenic (PMID: 22974104, 24781757). This variant has not been reported in the literature in individuals affected with SDHA-related conditions. For these reasons, this variant has been classified as Pathogenic.

Ambry Genetics
Classification: Pathogenic for Hereditary cancer-predisposing syndrome. Last evaluated: 2020-09-15. Review status: criteria provided, single submitter. Criteria: Ambry Variant Classification Scheme 2023. Collection method: clinical testing. Allele origin: germline.
Comment: The c.1716dupG pathogenic mutation, located in coding exon 13 of the SDHA gene, results from a duplication of G at nucleotide position 1716, causing a translational frameshift with a predicted alternate stop codon (p.L573Afs*30). This alteration is expected to result in loss of function by premature protein truncation or nonsense-mediated mRNA decay. As such, this alteration is interpreted as a disease-causing mutation.

Literature cited by the submitters: PubMed 22974104 (cited by Labcorp Genetics (formerly Invitae), Labcorp); PubMed 24781757 (cited by Labcorp Genetics (formerly Invitae), Labcorp).